The following is an entry in ClinVar:

ClinVar aggregate classification (germline): Likely benign (1 of 4 stars; one submission).

Conditions:
Qualitative or quantitative defects of delta-sarcoglycan. Identifiers: Orphanet 207070, MedGen C5680806, MONDO:0016144.

Allele frequency attached by ClinVar (database versions not stated): gnomAD 0.00283 and 0.00297; TOPMed 0.00331; 1000 Genomes Project 0.00339; 1000 Genomes Project 30x 0.00468.

Submission:

Illumina Laboratory Services, Illumina
Classification: Likely benign for Qualitative or quantitative defects of delta-sarcoglycan. Last evaluated: 2018-01-12. Review status: criteria provided, single submitter. Criteria: ICSL Variant Classification Criteria 13 December 2019. Collection method: clinical testing. Allele origin: germline.
Comment: This variant was observed in the ICSL laboratory as part of a predisposition screen in an ostensibly healthy population. It had not been previously curated by ICSL or reported in the Human Gene Mutation Database (HGMD: prior to June 1st, 2018), and was therefore a candidate for classification through an automated scoring system. Utilizing variant allele frequency, disease prevalence and penetrance estimates, and inheritance mode, an automated score was calculated to assess if this variant is too frequent to cause the disease. Based on the score and internal cut-off values, a variant classified as likely benign is not then subjected to further curation. The score for this variant resulted in a classification of likely benign for this disease.

NM_000337.6(SGCD):c.*6683T>C

Gene: SGCD (sarcoglycan delta; plus strand). Cytogenetic location: 5q33.3.
Variant type: single nucleotide variant.
Coding change: c.*6683T>C on transcript NM_000337.6 (MANE Select); 6683 bases downstream of the stop codon, T replaced by C.
Molecular consequence: 3 prime UTR variant.
Genome position (GRCh38, 1-based): chr5:156,766,073, T>C. VCF-style: chr5-156766073-T-C. GRCh37 (hg19) VCF-style: chr5-156193084-T-C.
Other names: c.*6683T>C (NM_001128209.2).
Identifiers: ClinVar variation 352429 (VCV000352429.6), dbSNP rs73304961, ClinGen allele CA10619817.
Genomic context (GRCh38, chr5:156,766,073, plus strand): 5'-TGTGTATGCTTAGGTCAAGCTTAAAAAAAAAAAAAAAAGACCGGAAAATACCTGGGTTGT[T>C]AGCCTCACATTTAGGAAAAAATTGTAATACTCAGTTATCTGTGTGTGTGGCTAAACAAGT-3'